The following is an entry in ClinVar:

ClinVar aggregate classification (germline): Pathogenic (1 of 4 stars; one submission).

Conditions:
Hereditary cancer-predisposing syndrome. Also called: Neoplastic Syndromes, Hereditary; Tumor predisposition; Hereditary Cancer Syndrome; Hereditary neoplastic syndrome. Identifiers: Orphanet 140162, MedGen C0027672, MeSH D009386, MONDO:0015356.

Submission:

Ambry Genetics
Classification: Pathogenic for Hereditary cancer-predisposing syndrome. Last evaluated: 2017-01-24. Review status: criteria provided, single submitter. Criteria: Ambry Variant Classification Scheme 2023. Collection method: clinical testing. Allele origin: germline.
Comment: The c.372delG pathogenic mutation, located in coding exon 2 of the MSH6 gene, results from a deletion of one nucleotide at nucleotide position 372, causing a translational frameshift with a predicted alternate stop codon (p.K125Nfs*24). This alteration is expected to result in loss of function by premature protein truncation or nonsense-mediated mRNA decay. As such, this alteration is interpreted as a disease-causing mutation.

NM_000179.3(MSH6):c.372del (p.Lys125fs)

Gene: MSH6 (mutS homolog 6; plus strand). Cytogenetic location: 2p16.3.
Variant type: Deletion.
Coding change: c.372del on transcript NM_000179.3 (MANE Select); coding-DNA position 372, one base deleted (G; older notation c.372delG).
Protein change: p.Lys125fs; shifts the reading frame from lysine 125.
Molecular consequence: frameshift variant. On other transcripts: 5 prime UTR variant (2), intron variant (1).
Genome position (GRCh38, 1-based): chr2:47,791,038, G deleted; the last of 3 consecutive G bases (chr2:47,791,036-47,791,038); deleting any one gives the same sequence. VCF-style (leftmost placement, unchanged base first): chr2-47791035-AG-A. GRCh37 (hg19) VCF-style: chr2-48018174-AG-A.
Other names: c.-365del (NM_001281493.2); c.-531del (NM_001281494.2); c.468delG, p.Lys157Asnfs (NM_001406795.1, NM_001406802.1); c.372delG, p.Lys125Asnfs (NM_001406796.1, NM_001406798.1, NM_001406800.1 and 6 more transcripts); c.75delG, p.Lys26Asnfs (NM_001406797.1, NM_001406801.1, NM_001406805.1 and 10 more transcripts); c.294delG, p.Lys99Asnfs (NM_001406804.1); c.-557delG (NM_001406807.1); c.-365delG (NM_001406811.1, NM_001406823.1, NM_001406829.1); and 3 more; short protein forms K125fs.
Identifiers: ClinVar variation 1734372 (VCV001734372.2), dbSNP rs2530436558, ClinGen allele CA2580066863.